The following is an entry in ClinVar:

NM_004933.3(CDH15):c.2081G>C (p.Gly694Ala)

Gene: CDH15 (cadherin 15; plus strand). Cytogenetic location: 16q24.3.
Variant type: single nucleotide variant.
Coding change: c.2081G>C on transcript NM_004933.3 (MANE Select); coding-DNA position 2081, G replaced by C.
Protein change: p.Gly694Ala; replaces glycine 694 with alanine.
Molecular consequence: missense variant.
Genome position (GRCh38, 1-based): chr16:89,193,843, G>C. VCF-style: chr16-89193843-G-C. GRCh37 (hg19) VCF-style: chr16-89260251-G-C.
Other names: short protein forms G694A.
Identifiers: ClinVar variation 3377614 (VCV003377614.2).

ClinVar aggregate classification (germline): Uncertain significance (1 of 4 stars; one submission).

Conditions:
Intellectual developmental disorder, autosomal dominant 3. Also called: Intellectual disability, autosomal dominant 3. Identifiers: MedGen C2675488, MONDO:0012946, OMIM 612580.

gnomAD v4.1: 1 of 1,610,364 alleles (0.000062%); highest among the groups gnomAD compares: South Asian, 0.0011%; no homozygotes.

Submission:

Neuberg Centre For Genomic Medicine, NCGM
Classification: Uncertain significance for Intellectual developmental disorder, autosomal dominant 3. Last evaluated: 2023-06-22. Review status: criteria provided, single submitter. Criteria: ACMG Guidelines, 2015. Collection method: clinical testing. Allele origin: germline. Inheritance: Autosomal dominant inheritance. Affected: yes.
Comment: The observed missense variant c.2081G>C(p.Gly694Ala) in the CDH15 gene has not been reported previously as a pathogenic variant nor as a benign variant, to our knowledge. This variant is absent in the gnomAD Exomes. The amino acid Gly at position 694 is changed to a Ala changing protein sequence and it might alter its composition and physico-chemical properties. Multiple lines of computational evidence (Polyphen - Benign, SIFT - Tolerated and MutationTaster - Polymorphism) predict no damaging effect on protein structure and function for this variant. The residue is conserved by GERP++ and PhyloP across 100 vertebrates. For these reasons, this variant has been classified as Uncertain Significance.